The following is an entry in ClinVar:

ClinVar aggregate classification (germline): Uncertain significance (1 of 4 stars; one submission).

Submission:

GeneDx
Classification: Uncertain significance. Last evaluated: 2025-02-12. Review status: criteria provided, single submitter. Criteria: GeneDx Variant Classification Process June 2021. Collection method: clinical testing. Allele origin: germline. Affected: yes.
Comment: Not observed at significant frequency in large population cohorts (gnomAD); In silico analysis indicates that this missense variant does not alter protein structure/function; Has not been previously published as pathogenic or benign to our knowledge

NM_006180.6(NTRK2):c.2400G>C (p.Glu800Asp)

Gene: NTRK2 (neurotrophic receptor tyrosine kinase 2; plus strand). Cytogenetic location: 9q21.33.
Variant type: single nucleotide variant.
Coding change: c.2400G>C on transcript NM_006180.6 (MANE Select); coding-DNA position 2400, G replaced by C.
Protein change: p.Glu800Asp; replaces glutamic acid 800 with aspartic acid.
Molecular consequence: missense variant.
Genome position (GRCh38, 1-based): chr9:85,021,320, G>C. VCF-style: chr9-85021320-G-C. GRCh37 (hg19) VCF-style: chr9-87636235-G-C.
Other names: c.2352G>C, p.Glu784Asp (NM_001018064.3, NM_001369532.1, NM_001369533.1); c.2316G>C, p.Glu772Asp (NM_001369534.1); c.1884G>C, p.Glu628Asp (NM_001369535.1); c.1932G>C, p.Glu644Asp (NM_001369536.1); short protein forms E628D, E644D, E772D, E784D, E800D.
Identifiers: ClinVar variation 4075578 (VCV004075578.1).